The following is an entry in ClinVar:

NM_004568.6(SERPINB6):c.343C>G (p.Gln115Glu)

Gene: SERPINB6 (serpin family B member 6; minus strand). Cytogenetic location: 6p25.2.
Variant type: single nucleotide variant.
Coding change: c.343C>G on transcript NM_004568.6 (MANE Select); coding-DNA position 343, C replaced by G.
Protein change: p.Gln115Glu; replaces glutamine 115 with glutamic acid.
Molecular consequence: missense variant. On other transcripts: non-coding transcript variant (1).
Genome position (GRCh38, 1-based): chr6:2,954,679, G>C on the plus strand (C>G on the coding strand, the complement: SERPINB6 is on the minus strand). VCF-style: chr6-2954679-G-C. GRCh37 (hg19) VCF-style: chr6-2954913-G-C.
Other names: c.355C>G, p.Gln119Glu (NM_001195291.3, NM_001374515.1); c.385C>G, p.Gln129Glu (NM_001271822.2); c.400C>G, p.Gln134Glu (NM_001271823.2); c.343C>G, p.Gln115Glu (NM_001271824.2, NM_001271825.2, NM_001297699.2 and 2 more transcripts); c.211C>G, p.Gln71Glu (NM_001374517.1); short protein forms Q119E, Q129E, Q115E, Q134E, Q71E.
Identifiers: ClinVar variation 44133 (VCV000044133.5), dbSNP rs397516637, ClinGen allele CA133643.

ClinVar aggregate classification (germline): Likely benign (1 of 4 stars; one submission).

Allele frequency attached by ClinVar (database versions not stated): gnomAD exomes below 0.00001.
gnomAD v4.1: 1 of 1,613,852 alleles (0.000062%); highest among the groups gnomAD compares: Non-Finnish European, 0.000085%; no homozygotes.

Submission:

Laboratory for Molecular Medicine, Mass General Brigham Personalized Medicine
Classification: Likely benign. Last evaluated: 2013-01-25. Review status: criteria provided, single submitter. Criteria: LMM Criteria. Collection method: clinical testing. Allele origin: germline. Observed: 1 variant allele.
Comment: Gln115Glu in exon 5 of SERPINB6: This variant is not expected to have clinical s ignificance because this amino acid is not conserved among mammals and several s pecies, including rat, mouse, and tree shrew, carry a glutamic acid (Glu) at thi s position.